The following is an entry in ClinVar:

ClinVar aggregate classification (germline): Uncertain significance (1 of 4 stars; one submission).

Conditions:
Cardiovascular phenotype. Identifiers: MedGen CN230736.

Submission:

Ambry Genetics
Classification: Uncertain significance for Cardiovascular phenotype. Last evaluated: 2023-11-04. Review status: criteria provided, single submitter. Criteria: Ambry Variant Classification Scheme 2023. Collection method: clinical testing. Allele origin: germline.
Comment: The p.L3313P variant (also known as c.9938T>C), located in coding exon 26 of the APOB gene, results from a T to C substitution at nucleotide position 9938. The leucine at codon 3313 is replaced by proline, an amino acid with similar properties. This amino acid position is conserved. In addition, this alteration is predicted to be tolerated by in silico analysis. Since supporting evidence is limited at this time, the clinical significance of this alteration remains unclear.

NM_000384.3(APOB):c.9938T>C (p.Leu3313Pro)

Gene: APOB (apolipoprotein B; minus strand). Cytogenetic location: 2p24.1.
Variant type: single nucleotide variant.
Coding change: c.9938T>C on transcript NM_000384.3 (MANE Select); coding-DNA position 9938, T replaced by C.
Protein change: p.Leu3313Pro; replaces leucine 3313 with proline.
Molecular consequence: missense variant.
Genome position (GRCh38, 1-based): chr2:21,006,930, A>G on the plus strand (T>C on the coding strand, the complement: APOB is on the minus strand). VCF-style: chr2-21006930-A-G. GRCh37 (hg19) VCF-style: chr2-21229802-A-G.
Other names: short protein forms L3313P.
Identifiers: ClinVar variation 3231483 (VCV003231483.1), dbSNP rs2465361221, ClinGen allele CA345988224.